The following is an entry in ClinVar:

ClinVar aggregate classification (germline): Pathogenic/Likely pathogenic. Review status: criteria provided, multiple submitters, no conflicts (2 of 4 stars). 6 submissions from 5 submitters: Pathogenic (3); Likely pathogenic (2). 1 of the submissions does not count toward it. Last evaluated 2024-03-14.

Conditions:
CC2D2A-related disorder. Also called: CC2D2A-related disorders; CC2D2A-related condition. Identifiers: MedGen CN239313.
Meckel syndrome, type 6. Identifiers: Orphanet 564, MedGen C2676790, MONDO:0012848, OMIM 612284.
Joubert syndrome 9 (JBTS9). Identifiers: Orphanet 2318, MedGen C2676788, MONDO:0012849, OMIM 612285.

Allele frequency attached by ClinVar (database versions not stated): gnomAD exomes below 0.00001.
gnomAD v4.1: 1 of 1,592,030 alleles (0.000063%); highest among the groups gnomAD compares: Non-Finnish European, 0.000086%; no homozygotes.

Submissions (6):

Genomic Medicine Center of Excellence, King Faisal Specialist Hospital and Research Centre
Classification: Pathogenic for Joubert syndrome 9. Last evaluated: 2024-03-14. Review status: criteria provided, single submitter. Criteria: ACMG Guidelines, 2015. Collection method: clinical testing. Allele origin: germline.

Daryl Scott Lab, Baylor College of Medicine
Classification: Pathogenic for CC2D2A-related disorder. Last evaluated: 2024-01-01. Review status: criteria provided, single submitter. Criteria: ACMG Guidelines, 2015. Collection method: clinical testing. Allele origin: biparental. Affected: yes. Observed: 1 homozygote.
Comment: PS4, PM2, PP3

Revvity Omics, Revvity
Classification: Likely pathogenic. Last evaluated: 2023-01-24. Review status: criteria provided, single submitter. Criteria: ACMG Guidelines, 2015. Collection method: clinical testing. Allele origin: germline.

Baylor Genetics
Classification: Pathogenic for Meckel syndrome, type 6. Last evaluated: 2020-07-07. Review status: criteria provided, single submitter. Criteria: ACMG Guidelines, 2015. Collection method: clinical testing. Allele origin: unknown. Affected: yes.
Comment: This variant was determined to be pathogenic according to ACMG Guidelines, 2015 [PMID:25741868].

Pathology and Clinical Laboratory Medicine, King Fahad Medical City
Classification: Likely pathogenic for Meckel syndrome, type 6. Review status: criteria provided, single submitter. Criteria: ACMG Guidelines, 2015. Collection method: clinical testing. Allele origin: germline. Affected: yes. Observed: 7 variant alleles.

Genomic Medicine Center of Excellence, King Faisal Specialist Hospital and Research Centre
Classification: Likely pathogenic for Meckel syndrome, type 6. Review status: no assertion criteria provided. Collection method: research. Allele origin: germline. Affected: yes. Not counted in ClinVar's aggregate classification.
Comment: It was observed with the other variant (NM_001080522.2:c.2339-2A>C)

NM_001378615.1(CC2D2A):c.4531T>C (p.Trp1511Arg)

Genes: CC2D2A (coiled-coil and C2 domain containing 2A; plus strand), FBXL5 (F-box and leucine rich repeat protein 5; minus strand). Cytogenetic location: 4p15.32.
Variant type: single nucleotide variant.
Coding change: c.4531T>C on transcript NM_001378615.1 (MANE Select); coding-DNA position 4531, T replaced by C.
Protein change: p.Trp1511Arg; replaces tryptophan 1511 with arginine.
Molecular consequence: missense variant.
Genome position (GRCh38, 1-based): chr4:15,599,563, T>C. VCF-style: chr4-15599563-T-C. GRCh37 (hg19) VCF-style: chr4-15601186-T-C.
Other names: c.4531T>C, p.Trp1511Arg (NM_001080522.2); c.4384T>C, p.Trp1462Arg (NM_001378617.1); short protein forms W1462R, W1511R.
Identifiers: ClinVar variation 917927 (VCV000917927.8), dbSNP rs1721483506, ClinGen allele CA356433780.